The following is an entry in ClinVar:

ClinVar aggregate classification (germline): Uncertain significance. Review status: criteria provided, multiple submitters, no conflicts (2 of 4 stars). 2 submissions from 2 submitters: Uncertain significance (2). Last evaluated 2023-07-12.

Allele frequency attached by ClinVar (database versions not stated): gnomAD 0.00001; TOPMed 0.00001; gnomAD exomes 0.00003 and 0.00008; ExAC 0.00011.

Submissions (2):

GeneDx
Classification: Uncertain significance. Last evaluated: 2023-07-12. Review status: criteria provided, single submitter. Criteria: GeneDx Variant Classification Process June 2021. Collection method: clinical testing. Allele origin: germline. Affected: yes.
Comment: In silico analysis supports that this missense variant does not alter protein structure/function; Has not been previously published as pathogenic or benign to our knowledge

Labcorp Genetics (formerly Invitae), Labcorp
Classification: Uncertain significance. Last evaluated: 2021-07-22. Review status: criteria provided, single submitter. Criteria: Invitae Variant Classification Sherloc (09022015). Collection method: clinical testing. Allele origin: germline.
Comment: In summary, the available evidence is currently insufficient to determine the role of this variant in disease. Therefore, it has been classified as a Variant of Uncertain Significance. Algorithms developed to predict the effect of missense changes on protein structure and function output the following: SIFT: "Deleterious"; PolyPhen-2: "Benign"; Align-GVGD: "Class C0". The lysine amino acid residue is found in multiple mammalian species, which suggests that this missense change does not adversely affect protein function. This variant has not been reported in the literature in individuals affected with TJP2-related conditions. This variant is present in population databases (rs746031449, ExAC 0.09%). This sequence change replaces arginine with lysine at codon 974 of the TJP2 protein (p.Arg974Lys). The arginine residue is moderately conserved and there is a small physicochemical difference between arginine and lysine.

NM_004817.4(TJP2):c.2921G>A (p.Arg974Lys)

Gene: TJP2 (tight junction protein 2; plus strand). Cytogenetic location: 9q21.11.
Variant type: single nucleotide variant.
Coding change: c.2921G>A on transcript NM_004817.4 (MANE Select); coding-DNA position 2921, G replaced by A.
Protein change: p.Arg974Lys; replaces arginine 974 with lysine.
Molecular consequence: missense variant. On other transcripts: intron variant (6).
Genome position (GRCh38, 1-based): chr9:69,249,415, G>A. VCF-style: chr9-69249415-G-A. GRCh37 (hg19) VCF-style: chr9-71864331-G-A.
Other names: c.2921G>A (NM_004817.3); c.3014G>A, p.Arg1005Lys (NM_001170416.2); c.2846G>A, p.Arg949Lys (NM_001369870.1); c.2852G>A, p.Arg951Lys (NM_001369871.1); c.2933G>A, p.Arg978Lys (NM_001369875.1); c.2811+1191G>A (NM_001170414.2); c.2880+1191G>A (NM_201629.3, NM_001369872.1); c.2668-1620G>A (NM_001369873.1); and 1 more; short protein forms R978K, R951K, R974K, R1005K, R949K.
Identifiers: ClinVar variation 1360079 (VCV001360079.9), dbSNP rs746031449, ClinGen allele CA5073825.